The following is an entry in ClinVar:

ClinVar aggregate classification (germline): Benign/Likely benign. Review status: criteria provided, multiple submitters, no conflicts (2 of 4 stars). 3 submissions from 3 submitters: Benign (1); Likely benign (2). Last evaluated 2026-02-01.

Allele frequency attached by ClinVar (database versions not stated): gnomAD 0.00005; gnomAD exomes 0.00005; TOPMed 0.00011; ExAC 0.00021.
gnomAD v4.1: 75 of 1,611,240 alleles (0.0047%); highest among the groups gnomAD compares: Admixed American, 0.13%; no homozygotes.

Submissions (3):

Labcorp Genetics (formerly Invitae), Labcorp
Classification: Benign. Last evaluated: 2026-02-01. Review status: criteria provided, single submitter. Criteria: Invitae Variant Classification Sherloc (09022015). Collection method: clinical testing. Allele origin: germline.

Mayo Clinic Laboratories, Mayo Clinic
Classification: Likely benign. Last evaluated: 2025-10-20. Review status: criteria provided, single submitter. Criteria: ACMG Guidelines, 2015. Collection method: clinical testing. Allele origin: germline. Observed: 1 variant allele.
Comment: BS1, BP4, BP7

Blueprint Genetics
Classification: Likely benign. Last evaluated: 2023-12-29. Review status: criteria provided, single submitter. Criteria: ACMG Guidelines, 2015. Collection method: clinical testing. Allele origin: germline.

NM_018896.5(CACNA1G):c.1044C>T (p.Phe348=)

Gene: CACNA1G (calcium voltage-gated channel subunit alpha1 G; plus strand). Cytogenetic location: 17q21.33.
Variant type: single nucleotide variant.
Coding change: c.1044C>T on transcript NM_018896.5 (MANE Select); coding-DNA position 1044, C replaced by T.
Protein change: p.Phe348=; no amino-acid change (phenylalanine 348 retained).
Molecular consequence: synonymous variant. On other transcripts: non-coding transcript variant (5).
Genome position (GRCh38, 1-based): chr17:50,572,851, C>T. VCF-style: chr17-50572851-C-T. GRCh37 (hg19) VCF-style: chr17-48650212-C-T.
Other names: p.Phe348=; c.1044C>T, p.Phe348= (NM_001256324.2, NM_001256325.2, NM_001256326.2 and 24 more transcripts).
Identifiers: ClinVar variation 2072605 (VCV002072605.6), dbSNP rs752601965, ClinGen allele CA8652076.